The following is an entry in ClinVar:

NM_001037131.3(AGAP1):c.1129G>A (p.Val377Met)

Gene: AGAP1 (ArfGAP with GTPase domain, ankyrin repeat and PH domain 1; plus strand). Cytogenetic location: 2q37.2.
Variant type: single nucleotide variant.
Coding change: c.1129G>A on transcript NM_001037131.3 (MANE Select); coding-DNA position 1129, G replaced by A.
Protein change: p.Val377Met; replaces valine 377 with methionine.
Molecular consequence: missense variant.
Genome position (GRCh38, 1-based): chr2:235,883,423, G>A. VCF-style: chr2-235883423-G-A. GRCh37 (hg19) VCF-style: chr2-236792067-G-A.
Other names: c.1129G>A, p.Val377Met (NM_014914.5); short protein forms V377M.
Identifiers: ClinVar variation 2897886 (VCV002897886.3), dbSNP rs758081071, ClinGen allele CA2184731.

ClinVar aggregate classification (germline): Uncertain significance (1 of 4 stars; one submission).

Allele frequency attached by ClinVar (database versions not stated): gnomAD 0.00002; TOPMed 0.00004; ExAC 0.00005.
gnomAD v4.1: 74 of 1,613,890 alleles (0.0046%); highest among the groups gnomAD compares: Middle Eastern, 0.033%; no homozygotes.

Submission:

Labcorp Genetics (formerly Invitae), Labcorp
Classification: Uncertain significance. Last evaluated: 2023-06-29. Review status: criteria provided, single submitter. Criteria: Invitae Variant Classification Sherloc (09022015). Collection method: clinical testing. Allele origin: germline.
Comment: This sequence change replaces valine, which is neutral and non-polar, with methionine, which is neutral and non-polar, at codon 377 of the AGAP1 protein (p.Val377Met). This variant is present in population databases (rs758081071, gnomAD 0.006%). This variant has not been reported in the literature in individuals affected with AGAP1-related conditions. An algorithm developed to predict the effect of missense changes on protein structure and function (PolyPhen-2) suggests that this variant is likely to be tolerated. In summary, the available evidence is currently insufficient to determine the role of this variant in disease. Therefore, it has been classified as a Variant of Uncertain Significance.